The following is an entry in ClinVar:

ClinVar aggregate classification (germline): Uncertain significance (1 of 4 stars; one submission).

Conditions:
Ehlers-Danlos syndrome, type 4 (EDSVASC). Also called: Ehlers-Danlos syndrome vascular type; Ehlers Danlos syndrome, ecchymotic type; Ehlers Danlos syndrome, arterial type; Ehlers Danlos syndrome, Sack-Barabas type; Ehlers-Danlos Syndrome Type IV. Identifiers: Orphanet 286, MedGen C0268338, MONDO:0017314, OMIM 130050.

gnomAD v4.1: 1 of 1,613,840 alleles (0.000062%); highest among the groups gnomAD compares: South Asian, 0.0011%; no homozygotes.

Submission:

Labcorp Genetics (formerly Invitae), Labcorp
Classification: Uncertain significance for Ehlers-Danlos syndrome, type 4. Last evaluated: 2024-07-06. Review status: criteria provided, single submitter. Criteria: Invitae Variant Classification Sherloc (09022015). Collection method: clinical testing. Allele origin: germline.
Comment: This sequence change replaces glycine, which is neutral and non-polar, with glutamic acid, which is acidic and polar, at codon 1275 of the COL3A1 protein (p.Gly1275Glu). This variant is not present in population databases (gnomAD no frequency). This variant has not been reported in the literature in individuals affected with COL3A1-related conditions. Experimental studies and prediction algorithms are not available or were not evaluated, and the functional significance of this variant is currently unknown. In summary, the available evidence is currently insufficient to determine the role of this variant in disease. Therefore, it has been classified as a Variant of Uncertain Significance.

NM_000090.4(COL3A1):c.3824G>A (p.Gly1275Glu)

Gene: COL3A1 (collagen type III alpha 1 chain; plus strand). Cytogenetic location: 2q32.2.
Variant type: single nucleotide variant.
Coding change: c.3824G>A on transcript NM_000090.4 (MANE Select); coding-DNA position 3824, G replaced by A.
Protein change: p.Gly1275Glu; replaces glycine 1275 with glutamic acid.
Molecular consequence: missense variant.
Genome position (GRCh38, 1-based): chr2:189,010,178, G>A. VCF-style: chr2-189010178-G-A. GRCh37 (hg19) VCF-style: chr2-189874904-G-A.
Other names: short protein forms G1275E.
Identifiers: ClinVar variation 3713269 (VCV003713269.2).